The following is an entry in ClinVar:

ClinVar aggregate classification (germline): Uncertain significance. Review status: criteria provided, multiple submitters, no conflicts (2 of 4 stars). 2 submissions from 2 submitters: Uncertain significance (2). Last evaluated 2023-03-07.

Conditions:
Inborn genetic diseases. Identifiers: MedGen C0950123, MeSH D030342.
Developmental and epileptic encephalopathy, 53. Also called: Epileptic encephalopathy, early infantile, 53. Identifiers: MedGen C4479313, MONDO:0033362, OMIM 617389.
Early-onset Parkinson disease 20. Also called: PARKINSON DISEASE 20, AUTOSOMAL RECESSIVE EARLY-ONSET. Identifiers: Orphanet 391411, MedGen C3809824, MONDO:0014233, OMIM 615530.

Allele frequency attached by ClinVar (database versions not stated): gnomAD exomes below 0.00001; gnomAD 0.00002.
gnomAD v4.1: 8 of 1,614,046 alleles (0.0005%); highest among the groups gnomAD compares: Admixed American, 0.0017%; no homozygotes.

Submissions (2):

Ambry Genetics
Classification: Uncertain significance for Inborn genetic diseases. Last evaluated: 2023-03-07. Review status: criteria provided, single submitter. Criteria: Ambry Variant Classification Scheme 2023. Collection method: clinical testing. Allele origin: germline.

Labcorp Genetics (formerly Invitae), Labcorp
Classification: Uncertain significance for Developmental and epileptic encephalopathy, 53; Early-onset Parkinson disease 20. Last evaluated: 2022-06-19. Review status: criteria provided, single submitter. Criteria: Invitae Variant Classification Sherloc (09022015). Collection method: clinical testing. Allele origin: germline.
Comment: In summary, the available evidence is currently insufficient to determine the role of this variant in disease. Therefore, it has been classified as a Variant of Uncertain Significance. Algorithms developed to predict the effect of sequence changes on RNA splicing suggest that this variant may create or strengthen a splice site. Algorithms developed to predict the effect of missense changes on protein structure and function are either unavailable or do not agree on the potential impact of this missense change (SIFT: "Deleterious"; PolyPhen-2: "Benign"; Align-GVGD: "Class C0"). This variant has not been reported in the literature in individuals affected with SYNJ1-related conditions. This variant is present in population databases (no rsID available, gnomAD 0.003%). This sequence change replaces isoleucine, which is neutral and non-polar, with threonine, which is neutral and polar, at codon 1211 of the SYNJ1 protein (p.Ile1211Thr).

NM_203446.3(SYNJ1):c.3515T>C (p.Ile1172Thr)

Gene: SYNJ1 (synaptojanin 1; minus strand). Cytogenetic location: 21q22.11.
Variant type: single nucleotide variant.
Coding change: c.3515T>C on transcript NM_203446.3 (MANE Select); coding-DNA position 3515, T replaced by C.
Protein change: p.Ile1172Thr; replaces isoleucine 1172 with threonine.
Molecular consequence: missense variant. On other transcripts: intron variant (1).
Genome position (GRCh38, 1-based): chr21:32,642,097, A>G on the plus strand (T>C on the coding strand, the complement: SYNJ1 is on the minus strand). VCF-style: chr21-32642097-A-G. GRCh37 (hg19) VCF-style: chr21-34014407-A-G.
Other names: c.3467T>C, p.Ile1156Thr (NM_001160302.2); c.3632T>C, p.Ile1211Thr (NM_003895.4); c.3377-131T>C (NM_001160306.2); short protein forms I1156T, I1172T, I1211T.
Identifiers: ClinVar variation 2085507 (VCV002085507.4), dbSNP rs1463459525, ClinGen allele CA410066173.